The following is an entry in ClinVar:

ClinVar aggregate classification (germline): Uncertain significance (1 of 4 stars; one submission).

Conditions:
Arrhythmogenic cardiomyopathy with wooly hair and keratoderma. Also called: PALMOPLANTAR KERATODERMA WITH LEFT VENTRICULAR CARDIOMYOPATHY AND WOOLLY HAIR; Arrhythmogenic cardiomyopathy with woolly hair and keratoderma; Carvajal syndrome; Dilated cardiomyopathy with woolly hair and keratoderma. Identifiers: Orphanet 65282, MedGen C1854063, MONDO:0011581, OMIM 605676.
Arrhythmogenic right ventricular dysplasia 8 (ARVD8). Also called: Arrhythmogenic Right Ventricular Dysplasia/Cardiomyopathy 8; ARRHYTHMOGENIC RIGHT VENTRICULAR DYSPLASIA, FAMILIAL, 8; ARRHYTHMOGENIC RIGHT VENTRICULAR CARDIOMYOPATHY 8. Identifiers: MedGen C1843896, MONDO:0011831, OMIM 607450.

Allele frequency attached by ClinVar (database versions not stated): gnomAD exomes 0.00001.
gnomAD v4.1: 15 of 1,614,134 alleles (0.00093%); highest among the groups gnomAD compares: Non-Finnish European, 0.0013%; no homozygotes.

Submission:

Labcorp Genetics (formerly Invitae), Labcorp
Classification: Uncertain significance for Arrhythmogenic cardiomyopathy with wooly hair and keratoderma; Arrhythmogenic right ventricular dysplasia 8. Last evaluated: 2021-09-01. Review status: criteria provided, single submitter. Criteria: Invitae Variant Classification Sherloc (09022015). Collection method: clinical testing. Allele origin: germline.
Comment: This sequence change replaces proline with serine at codon 2061 of the DSP protein (p.Pro2061Ser). The proline residue is highly conserved and there is a moderate physicochemical difference between proline and serine. This variant is not present in population databases (ExAC no frequency). This missense change has been observed in individual(s) with arrhythmogenic right ventricular cardiomyopathy (PMID: 27532257). Algorithms developed to predict the effect of missense changes on protein structure and function are either unavailable or do not agree on the potential impact of this missense change (SIFT: "Tolerated"; PolyPhen-2: "Probably Damaging"; Align-GVGD: "Class C15"). In summary, the available evidence is currently insufficient to determine the role of this variant in disease. Therefore, it has been classified as a Variant of Uncertain Significance.

Literature cited by the submitters: PubMed 27532257.

NM_004415.4(DSP):c.6181C>T (p.Pro2061Ser)

Gene: DSP (desmoplakin; plus strand). Cytogenetic location: 6p24.3.
Variant type: single nucleotide variant.
Coding change: c.6181C>T on transcript NM_004415.4 (MANE Select); coding-DNA position 6181, C replaced by T.
Protein change: p.Pro2061Ser; replaces proline 2061 with serine.
Molecular consequence: missense variant.
Genome position (GRCh38, 1-based): chr6:7,583,443, C>T. VCF-style: chr6-7583443-C-T. GRCh37 (hg19) VCF-style: chr6-7583676-C-T.
Other names: c.4384C>T, p.Pro1462Ser (NM_001008844.3); c.4852C>T, p.Pro1618Ser (NM_001319034.2); short protein forms P1462S, P1618S, P2061S.
Identifiers: ClinVar variation 1461143 (VCV001461143.5), dbSNP rs1561702055, ClinGen allele CA362690253.